The following is an entry in ClinVar:

NM_000202.8(IDS):c.709-652C>T

Genes: IDS (iduronate 2-sulfatase; minus strand), LOC106050102 (IDS recombination region; plus strand). Cytogenetic location: Xq28.
Variant type: single nucleotide variant.
Coding change: c.709-652C>T on transcript NM_000202.8 (MANE Select); 652 bases into the intron before coding-DNA position 709, C replaced by T.
Molecular consequence: intron variant.
Genome position (GRCh38, 1-based): chrX:149,497,168, G>A on the plus strand (C>T on the coding strand, the complement: IDS is on the minus strand). VCF-style: chrX-149497168-G-A. GRCh37 (hg19) VCF-style: chrX-148578699-G-A.
Other names: c.439-652C>T (NM_001166550.4); c.709-652C>T (NM_006123.5).
Identifiers: ClinVar variation 3044406 (VCV003044406.3), dbSNP rs182876203, ClinGen allele CA337036387.

ClinVar aggregate classification (germline): Likely benign. Review status: criteria provided, single submitter (1 of 4 stars). 2 submissions from 2 submitters: Likely benign (1). 1 of the submissions does not count toward it. Last evaluated 2024-11-28.

Conditions:
IDS-related disorder. Also called: IDS-related condition.

Allele frequency attached by ClinVar (database versions not stated): gnomAD 0.00244; 1000 Genomes Project 0.00265; 1000 Genomes Project 30x 0.00271; TOPMed 0.00304.
gnomAD v4.1: 266 of 110,077 alleles (0.24%); highest among the groups gnomAD compares: African/African-American, 0.85%; 3 homozygotes.

Submissions (2):

Blueprint Genetics
Classification: Likely benign. Last evaluated: 2024-11-28. Review status: criteria provided, single submitter. Criteria: ACMG Guidelines, 2015. Collection method: clinical testing. Allele origin: germline.

PreventionGenetics, part of Exact Sciences
Classification: Benign for IDS-related condition. Last evaluated: 2019-06-11. Review status: no assertion criteria provided. Collection method: clinical testing. Allele origin: germline. Not counted in ClinVar's aggregate classification.
Comment: This variant is classified as benign based on ACMG/AMP sequence variant interpretation guidelines (Richards et al. 2015 PMID: 25741868, with internal and published modifications).